The following is an entry in ClinVar:

ClinVar aggregate classification (germline): Likely benign (1 of 4 stars; one submission).

Allele frequency attached by ClinVar (database versions not stated): ExAC 0.00005; gnomAD 0.00006; TOPMed 0.00006.

Submission:

CeGaT Center for Human Genetics Tuebingen
Classification: Likely benign. Last evaluated: 2022-03-01. Review status: criteria provided, single submitter. Criteria: CeGaT Center For Human Genetics Tuebingen Variant Classification Criteria Version 2. Collection method: clinical testing. Allele origin: germline. Affected: yes. Observed: 1 variant allele.
Comment: NHLRC4: BP4, BP7

NM_001301159.2(NHLRC4):c.18C>A (p.Gly6=)

Gene: NHLRC4 (NHL repeat containing 4; plus strand). Cytogenetic location: 16p13.3.
Variant type: single nucleotide variant.
Coding change: c.18C>A on transcript NM_001301159.2 (MANE Select); coding-DNA position 18, C replaced by A.
Protein change: p.Gly6=; no amino-acid change (glycine 6 retained).
Molecular consequence: synonymous variant.
Genome position (GRCh38, 1-based): chr16:568,065, C>A. VCF-style: chr16-568065-C-A. GRCh37 (hg19) VCF-style: chr16-618065-C-A.
Other names: c.18C>A, p.Gly6= (NM_176677.3).
Identifiers: ClinVar variation 2645824 (VCV002645824.24), dbSNP rs762140445, ClinGen allele CA7779606.